The following is an entry in ClinVar:

NM_000092.5(COL4A4):c.4185dup (p.Leu1396fs)

Gene: COL4A4 (collagen type IV alpha 4 chain; minus strand). Cytogenetic location: 2q36.3.
Variant type: Duplication.
Coding change: c.4185dup on transcript NM_000092.5 (MANE Select); coding-DNA position 4185, one base duplicated (G; older notation c.4185dupG).
Protein change: p.Leu1396fs; shifts the reading frame from leucine 1396.
Molecular consequence: frameshift variant.
Genome position (GRCh38, 1-based): chr2:227,022,079, C duplicated on the plus strand (G on the coding strand, the reverse complement: COL4A4 is on the minus strand); the first of 4 consecutive C bases (chr2:227,022,079-227,022,082); duplicating any one gives the same sequence. VCF-style (leftmost placement, unchanged base first): chr2-227022078-G-GC. GRCh37 (hg19) VCF-style: chr2-227886794-G-GC.
Other names: c.4185dupG (NM_000092.4); short protein forms L1396fs.
Identifiers: ClinVar variation 4999643 (VCV004999643.1).
Genomic context (GRCh38, chr2:227,022,078, plus strand): 5'-AATAATGAACAATCAGCATGCGGCTCATACCTGGTCCTGAGGGGCCTCTCATTCCAGGGA[G>GC]CCCCATGGCTCCTTCTGGTCCTCTCATGCCTGGCGCCCCAGGAAGGCCTGGGATTCGGGG-3'

ClinVar aggregate classification (germline): Likely pathogenic (1 of 4 stars; one submission).

Conditions:
COL4A4-related disorder.

Submission:

PreventionGenetics, part of Exact Sciences
Classification: Likely pathogenic for COL4A4-related condition. Last evaluated: 2025-05-01. Review status: criteria provided, single submitter. Criteria: ACMG Guidelines, 2015. Collection method: clinical testing. Allele origin: germline.
Comment: The COL4A4 c.4185dupG variant is predicted to result in a frameshift and premature protein termination (p.Leu1396Alafs*37). To our knowledge, this variant has not been reported in the literature or in a large population database (gnomAD), indicating this variant is rare. Frameshift variants in COL4A4 are expected to be pathogenic. This variant is interpreted as likely pathogenic.